The following is an entry in ClinVar:

ClinVar aggregate classification (germline): Uncertain significance (1 of 4 stars; one submission).

Submission:

GeneDx
Classification: Uncertain significance. Last evaluated: 2022-11-08. Review status: criteria provided, single submitter. Criteria: GeneDx Variant Classification Process June 2021. Collection method: clinical testing. Allele origin: germline. Affected: yes.
Comment: Not observed at significant frequency in large population cohorts (gnomAD); In silico analysis supports that this missense variant has a deleterious effect on protein structure/function; In silico analysis suggests this variant may impact gene splicing. In the absence of RNA/functional studies, the actual effect of this sequence change is unknown.; Has not been previously published as pathogenic or benign to our knowledge

NM_001145026.2(PTPRQ):c.5012A>G (p.Asn1671Ser)

Gene: PTPRQ (protein tyrosine phosphatase receptor type Q; plus strand). Cytogenetic location: 12q21.31.
Variant type: single nucleotide variant.
Coding change: c.5012A>G on transcript NM_001145026.2 (MANE Select); coding-DNA position 5012, A replaced by G.
Protein change: p.Asn1671Ser; replaces asparagine 1671 with serine.
Molecular consequence: missense variant.
Genome position (GRCh38, 1-based): chr12:80,613,685, A>G. VCF-style: chr12-80613685-A-G. GRCh37 (hg19) VCF-style: chr12-81007464-A-G.
Other names: short protein forms N1671S.
Identifiers: ClinVar variation 2501642 (VCV002501642.1), dbSNP rs2541673832, ClinGen allele CA385939846.
Genomic context (GRCh38, chr12:80,613,685, plus strand): 5'-AGAAGATACCAGATGAAGTTACAAAATTTCAATTAACGTTCCTTCCTCCTTCTCAACCTA[A>G]TGGAAATATCCAAGTATATCAAGCTCTGGTTTACCGAGAAGATGATCCTACTGCTGTCCA-3'
Protein context (NP_001138498.1, residues 1661-1681): QLTFLPPSQP[Asn1671Ser]GNIQVYQALV